The following is an entry in ClinVar:

NM_005026.5(PIK3CD):c.938C>T (p.Ser313Phe)

Gene: PIK3CD (phosphatidylinositol-4,5-bisphosphate 3-kinase catalytic subunit delta; plus strand). Cytogenetic location: 1p36.22.
Variant type: single nucleotide variant.
Coding change: c.938C>T on transcript NM_005026.5 (MANE Select); coding-DNA position 938, C replaced by T.
Protein change: p.Ser313Phe; replaces serine 313 with phenylalanine.
Molecular consequence: missense variant.
Genome position (GRCh38, 1-based): chr1:9,717,544, C>T. VCF-style: chr1-9717544-C-T. GRCh37 (hg19) VCF-style: chr1-9777602-C-T.
Other names: c.938C>T, p.Ser313Phe (NM_001350234.2); c.851C>T, p.Ser284Phe (NM_001350235.1); short protein forms S284F, S313F.
Identifiers: ClinVar variation 842371 (VCV000842371.11), dbSNP rs746649091, ClinGen allele CA577034.

ClinVar aggregate classification (germline): Uncertain significance. Review status: criteria provided, multiple submitters, no conflicts (2 of 4 stars). 2 submissions from 2 submitters: Uncertain significance (2). Last evaluated 2025-05-06.

Conditions:
Inborn genetic diseases. Identifiers: MedGen C0950123, MeSH D030342.
Immunodeficiency 14 (IMD14A). Also called: p110-DELTA-ACTIVATING MUTATION CAUSING SENESCENT T CELLS, LYMPHADENOPATHY, AND IMMUNODEFICIENCY; Activated PI3K Delta Syndrome Type 1 (APDS1); ACTIVATED PI3K-DELTA SYNDROME 1; IMMUNODEFICIENCY 14A WITH LYMPHOPROLIFERATION, AUTOSOMAL DOMINANT. Identifiers: Orphanet 397596, Orphanet 693661, MedGen C5907821, MONDO:0014222, OMIM 615513.

Allele frequency attached by ClinVar (database versions not stated): TOPMed below 0.00001; ExAC 0.00001.
gnomAD v4.1: 3 of 1,614,106 alleles (0.00019%); highest among the groups gnomAD compares: East Asian, 0.0067%; no homozygotes.

Submissions (2):

Ambry Genetics
Classification: Uncertain significance for Inborn genetic diseases. Last evaluated: 2025-05-06. Review status: criteria provided, single submitter. Criteria: Ambry Variant Classification Scheme 2023. Collection method: clinical testing. Allele origin: germline.

Labcorp Genetics (formerly Invitae), Labcorp
Classification: Uncertain significance for Activated PI3K-delta syndrome. Last evaluated: 2022-09-23. Review status: criteria provided, single submitter. Criteria: Invitae Variant Classification Sherloc (09022015). Collection method: clinical testing. Allele origin: germline.
Comment: ClinVar contains an entry for this variant (Variation ID: 842371). In summary, the available evidence is currently insufficient to determine the role of this variant in disease. Therefore, it has been classified as a Variant of Uncertain Significance. Advanced modeling of protein sequence and biophysical properties (such as structural, functional, and spatial information, amino acid conservation, physicochemical variation, residue mobility, and thermodynamic stability) performed at Invitae indicates that this missense variant is not expected to disrupt PIK3CD protein function. This variant has not been reported in the literature in individuals affected with PIK3CD-related conditions. This variant is present in population databases (rs746649091, gnomAD 0.01%). This sequence change replaces serine, which is neutral and polar, with phenylalanine, which is neutral and non-polar, at codon 313 of the PIK3CD protein (p.Ser313Phe).